The following is an entry in ClinVar:

NM_001035.3(RYR2):c.12047T>A (p.Phe4016Tyr)

Gene: RYR2 (ryanodine receptor 2; plus strand). Cytogenetic location: 1q43.
Variant type: single nucleotide variant.
Coding change: c.12047T>A on transcript NM_001035.3 (MANE Select); coding-DNA position 12047, T replaced by A.
Protein change: p.Phe4016Tyr; replaces phenylalanine 4016 with tyrosine.
Molecular consequence: missense variant.
Genome position (GRCh38, 1-based): chr1:237,783,759, T>A. VCF-style: chr1-237783759-T-A. GRCh37 (hg19) VCF-style: chr1-237947059-T-A.
Other names: p.F4016Y:TTT>TAT; short protein forms F4016Y.
Identifiers: ClinVar variation 43718 (VCV000043718.29), dbSNP rs375021201, ClinGen allele CA007324.

ClinVar aggregate classification (germline): Conflicting classifications of pathogenicity. Review status: criteria provided, conflicting classifications (1 of 4 stars). 10 submissions from 9 submitters: Uncertain significance (8); Likely benign (2). Last evaluated 2026-01-28.

Conditions:
Arrhythmogenic right ventricular dysplasia 2. Identifiers: MedGen C1832931.
Catecholaminergic polymorphic ventricular tachycardia 1. Also called: VENTRICULAR TACHYCARDIA, CATECHOLAMINERGIC POLYMORPHIC, 1, WITH OR WITHOUT ATRIAL DYSFUNCTION AND/OR DILATED CARDIOMYOPATHY; VENTRICULAR TACHYCARDIA, STRESS-INDUCED POLYMORPHIC 1; RYR2-Related Catecholaminergic Polymorphic Ventricular Tachycardia. Identifiers: Orphanet 3286, MedGen C1631597, MONDO:0011484, OMIM 604772.
Ventricular arrhythmias due to cardiac ryanodine receptor calcium release deficiency syndrome. Also called: Autosomal dominant cardiac arrhythmia (Kuhn). Identifiers: MedGen C5542154, MONDO:0020745, OMIM 115000.
Cardiovascular phenotype. Identifiers: MedGen CN230736.
Cardiomyopathy (CMYO). Also called: Cardiomyopathies. Identifiers: Orphanet 167848, MedGen C0878544, MONDO:0004994, HP:0001638. Inheritance: Various modes of inheritance.
Catecholaminergic polymorphic ventricular tachycardia (CVPT). Also called: Catecholamine-induced polymorphic ventricular tachycardia. Identifiers: Orphanet 3286, MedGen C5574922, MONDO:0017990.

Allele frequency attached by ClinVar (database versions not stated): gnomAD 0.00007 and 0.00008; ESP Exome Variant Server 0.00008; gnomAD exomes 0.00008 and 0.00012; TOPMed 0.00008; ExAC 0.00010.
gnomAD v4.1: 187 of 1,612,858 alleles (0.012%); highest among the groups gnomAD compares: Non-Finnish European, 0.015%; no homozygotes.

Submissions (10):

Labcorp Genetics (formerly Invitae), Labcorp
Classification: Uncertain significance for Catecholaminergic polymorphic ventricular tachycardia 1. Last evaluated: 2026-01-28. Review status: criteria provided, single submitter. Criteria: Invitae Variant Classification Sherloc (09022015). Collection method: clinical testing. Allele origin: germline.
Comment: This sequence change replaces phenylalanine, which is neutral and non-polar, with tyrosine, which is neutral and polar, at codon 4016 of the RYR2 protein (p.Phe4016Tyr). This variant is present in population databases (rs375021201, gnomAD 0.02%). This variant has not been reported in the literature in individuals affected with RYR2-related conditions. ClinVar contains an entry for this variant (Variation ID: 43718). Invitae Evidence Modeling of protein sequence and biophysical properties (such as structural, functional, and spatial information, amino acid conservation, physicochemical variation, residue mobility, and thermodynamic stability) has been performed for this missense variant. However, the output from this modeling did not meet the statistical confidence thresholds required to predict the impact of this variant on RYR2 protein function. In summary, the available evidence is currently insufficient to determine the role of this variant in disease. Therefore, it has been classified as a Variant of Uncertain Significance.

Color Diagnostics, LLC DBA Color Health
Classification: Likely benign for Cardiomyopathy. Last evaluated: 2024-04-04. Review status: criteria provided, single submitter. Criteria: ACMG Guidelines, 2015. Collection method: clinical testing. Allele origin: germline.

Blueprint Genetics
Classification: Likely benign. Last evaluated: 2024-04-03. Review status: criteria provided, single submitter. Criteria: ACMG Guidelines, 2015. Collection method: clinical testing. Allele origin: germline.

All of Us Research Program, National Institutes of Health
Classification: Uncertain significance for Catecholaminergic polymorphic ventricular tachycardia. Last evaluated: 2024-01-11. Review status: criteria provided, single submitter. Criteria: ACMG Guidelines, 2015. Collection method: clinical testing. Allele origin: germline. Inheritance: Autosomal dominant inheritance. Observed: 17 variant alleles, 17 heterozygotes.
Comment: This variant is located in the RYR2 protein. Computational prediction is inconclusive regarding the impact of this variant on protein structure and function (internally defined REVEL score threshold 0.5 < inconclusive < 0.7, PMID: 27666373). To our knowledge, functional studies have not been reported for this variant. This variant has not been reported in individuals affected with cardiovascular disorders in the literature. This variant has been identified in 26/278330 chromosomes in the general population by the Genome Aggregation Database (gnomAD). The available evidence is insufficient to determine the role of this variant in disease conclusively. Therefore, this variant is classified as a Variant of Uncertain Significance.

This study involves interpretation of variants in research participants for the purpose of population health screening. Participant phenotype was not available at the time of variant classification. Additional details can be found in publication PMID: 35346344, PMCID: PMC8962531

Ambry Genetics
Classification: Uncertain significance for Cardiovascular phenotype. Last evaluated: 2022-08-17. Review status: criteria provided, single submitter. Criteria: Ambry Variant Classification Scheme 2023. Collection method: clinical testing. Allele origin: germline.

Fulgent Genetics
Classification: Uncertain significance for Ventricular arrhythmias due to cardiac ryanodine receptor calcium release deficiency syndrome; Catecholaminergic polymorphic ventricular tachycardia 1. Last evaluated: 2021-10-01. Review status: criteria provided, single submitter. Criteria: ACMG Guidelines, 2015. Collection method: clinical testing. Allele origin: unknown.

Illumina Laboratory Services, Illumina
Classification: Uncertain significance for Catecholaminergic polymorphic ventricular tachycardia 1. Last evaluated: 2018-01-13. Review status: criteria provided, single submitter. Criteria: ICSL Variant Classification Criteria 13 December 2019. Collection method: clinical testing. Allele origin: germline.

Illumina Laboratory Services, Illumina
Classification: Uncertain significance for Catecholaminergic polymorphic ventricular tachycardia 1. Last evaluated: 2018-01-13. Review status: criteria provided, single submitter. Criteria: ICSL Variant Classification Criteria 13 December 2019. Collection method: clinical testing. Allele origin: germline.

GeneDx
Classification: Uncertain significance. Last evaluated: 2017-10-20. Review status: criteria provided, single submitter. Criteria: GeneDx Variant Classification (06012015). Collection method: clinical testing. Allele origin: germline. Affected: yes.
Comment: The F4016Y variant has not been published as pathogenic or been reported as benign to our knowledge. The F4016Y variant is a non-conservative amino acid substitution, which is likely to impact secondary protein structure as these residues differ in polarity, charge, size and/or other properties. This substitution occurs at a position that is conserved across species, and in silico analysis predicts this variant is probably damaging to the protein structure/function. The F4016Y variant is located in one of the three hot-spot regions of the RYR2 gene, where the majority of pathogenic missense variants occur (Medeiros-Domingo et al., 2009). Though, F4016Y was observed in 22/125,516 (0.02%) alleles from individuals of European (Non-Finnish) from large population cohorts (Lek et al., 2016).

Laboratory for Molecular Medicine, Mass General Brigham Personalized Medicine
Classification: Uncertain significance. Last evaluated: 2012-11-14. Review status: criteria provided, single submitter. Criteria: LMM Criteria. Collection method: clinical testing. Allele origin: germline. Observed: 1 variant allele.
Comment: The Phe4016Tyr variant in RYR2 has not been reported in the literature nor previ ously identified by our laboratory. This variant has been identified in 1/8198 E uropean American chromosomes from a broad population screened by the NHLBI Exome Sequencing Project. Computational analyses ( biochemical amino acid properties, conservation, AlignGVGD, PolyPhen2, and SIFT) do not provide strong support for or against an impact to the protein. In summa ry, additional information is needed to fully assess the clinical significance o f the Phe4016Tyr variant.